The following is an entry in ClinVar:

NM_015425.6(POLR1A):c.4558G>T (p.Glu1520Ter)

Gene: POLR1A (RNA polymerase I subunit A; minus strand). Cytogenetic location: 2p11.2.
Variant type: single nucleotide variant.
Coding change: c.4558G>T on transcript NM_015425.6 (MANE Select); coding-DNA position 4558, G replaced by T.
Protein change: p.Glu1520Ter; replaces glutamic acid 1520 with a stop codon.
Molecular consequence: nonsense.
Genome position (GRCh38, 1-based): chr2:86,031,350, C>A on the plus strand (G>T on the coding strand, the complement: POLR1A is on the minus strand). VCF-style: chr2-86031350-C-A. GRCh37 (hg19) VCF-style: chr2-86258473-C-A.
Other names: short protein forms E1520*.
Identifiers: ClinVar variation 1446194 (VCV001446194.6), dbSNP rs1021611751, ClinGen allele CA347545899.
Genomic context (GRCh38, chr2:86,031,350, plus strand): 5'-GACCAACCACCCAAGCCCTGGCCTGCACGGCCACACTGACCTGGCACCACAGGCTCTCCT[C>A]GGTGTCGTACTGGTAGTCATCTATGAACGGGTGGATCTCACGCACAGCCTGGACCCGGCG-3'

ClinVar aggregate classification (germline): Uncertain significance (1 of 4 stars; one submission).

Submission:

Labcorp Genetics (formerly Invitae), Labcorp
Classification: Uncertain significance. Last evaluated: 2023-08-04. Review status: criteria provided, single submitter. Criteria: Invitae Variant Classification Sherloc (09022015). Collection method: clinical testing. Allele origin: germline.
Comment: In summary, the available evidence is currently insufficient to determine the role of this variant in disease. Therefore, it has been classified as a Variant of Uncertain Significance. ClinVar contains an entry for this variant (Variation ID: 1446194). This variant has not been reported in the literature in individuals affected with POLR1A-related conditions. This variant is not present in population databases (gnomAD no frequency). This sequence change creates a premature translational stop signal (p.Glu1520*) in the POLR1A gene. It is expected to result in an absent or disrupted protein product. However, the current clinical and genetic evidence is not sufficient to establish whether loss-of-function variants in POLR1A cause disease.